The following is an entry in ClinVar:

NM_004446.3(EPRS1):c.3374-4del

Gene: EPRS1 (glutamyl-prolyl-tRNA synthetase 1; minus strand). Cytogenetic location: 1q41.
Variant type: Deletion.
Coding change: c.3374-4del on transcript NM_004446.3 (MANE Select); 4 bases into the intron before coding-DNA position 3374, one base deleted (T; older notation c.3374-4delT).
Molecular consequence: intron variant.
Genome position (GRCh38, 1-based): chr1:219,981,461, A deleted on the plus strand (T on the coding strand, the reverse complement: EPRS1 is on the minus strand); the first of 3 consecutive A bases (chr1:219,981,461-219,981,463); deleting any one gives the same sequence. VCF-style (leftmost placement, unchanged base first): chr1-219981460-GA-G. GRCh37 (hg19) VCF-style: chr1-220154802-GA-G.
Other names: c.3374-4delT (NM_004446.2).
Identifiers: ClinVar variation 2055534 (VCV002055534.6), dbSNP rs761554833, ClinGen allele CA1399696.

ClinVar aggregate classification (germline): Likely benign. Review status: criteria provided, single submitter (1 of 4 stars). 2 submissions from 2 submitters: Likely benign (1). 1 of the submissions does not count toward it. Last evaluated 2025-12-19.

Conditions:
EPRS1-related disorder. Also called: EPRS1-related condition.

Submissions (2):

Labcorp Genetics (formerly Invitae), Labcorp
Classification: Likely benign. Last evaluated: 2025-12-19. Review status: criteria provided, single submitter. Criteria: Invitae Variant Classification Sherloc (09022015). Collection method: clinical testing. Allele origin: germline.

PreventionGenetics, part of Exact Sciences
Classification: Likely benign for EPRS1-related condition. Last evaluated: 2019-05-20. Review status: no assertion criteria provided. Collection method: clinical testing. Allele origin: germline. Not counted in ClinVar's aggregate classification.
Comment: This variant is classified as likely benign based on ACMG/AMP sequence variant interpretation guidelines (Richards et al. 2015 PMID: 25741868, with internal and published modifications).